The following is an entry in ClinVar:

ClinVar aggregate classification (germline): Uncertain significance. Review status: criteria provided, multiple submitters, no conflicts (2 of 4 stars). 3 submissions from 3 submitters: Uncertain significance (3). Last evaluated 2026-01-30.

Conditions:
Hereditary cancer-predisposing syndrome. Also called: Neoplastic Syndromes, Hereditary; Hereditary neoplastic syndrome; Tumor predisposition; Hereditary Cancer Syndrome. Identifiers: Orphanet 140162, MedGen C0027672, MeSH D009386, MONDO:0015356.
Gorlin syndrome. Also called: Nevoid Basal Cell Carcinoma Syndrome; Basal cell nevus syndrome. Identifiers: Orphanet 377, MedGen C0004779, MONDO:0007187.

gnomAD v4.1: 4 of 1,613,780 alleles (0.00025%); highest among the groups gnomAD compares: Non-Finnish European, 0.00034%; no homozygotes.

Submissions (3):

Labcorp Genetics (formerly Invitae), Labcorp
Classification: Uncertain significance for Gorlin syndrome. Last evaluated: 2026-01-30. Review status: criteria provided, single submitter. Criteria: Invitae Variant Classification Sherloc (09022015). Collection method: clinical testing. Allele origin: germline.
Comment: This sequence change replaces glycine, which is neutral and non-polar, with valine, which is neutral and non-polar, at codon 99 of the PTCH1 protein (p.Gly99Val). This variant is not present in population databases (gnomAD no frequency). This missense change has been observed in individual(s) with basal cell nevus syndrome (PMID: 28596197). ClinVar contains an entry for this variant (Variation ID: 844483). Invitae Evidence Modeling of protein sequence and biophysical properties (such as structural, functional, and spatial information, amino acid conservation, physicochemical variation, residue mobility, and thermodynamic stability) has been performed for this missense variant. However, the output from this modeling did not meet the statistical confidence thresholds required to predict the impact of this variant on PTCH1 protein function. In summary, the available evidence is currently insufficient to determine the role of this variant in disease. Therefore, it has been classified as a Variant of Uncertain Significance.

Ambry Genetics
Classification: Uncertain significance for Hereditary cancer-predisposing syndrome. Last evaluated: 2025-01-07. Review status: criteria provided, single submitter. Criteria: Ambry Variant Classification Scheme 2023. Collection method: clinical testing. Allele origin: germline.
Comment: The p.G99V variant (also known as c.296G>T), located in coding exon 2 of the PTCH1 gene, results from a G to T substitution at nucleotide position 296. The glycine at codon 99 is replaced by valine, an amino acid with dissimilar properties. In one study, this alteration reported to be de novo in an individual meeting the diagnostic criteria for Gorlin syndrome (Evans DG et al. J Med Genet, 2017 08;54:530-536). This amino acid position is highly conserved in available vertebrate species. In addition, this alteration is predicted to be deleterious by in silico analysis. Based on the available evidence, the clinical significance of this variant remains unclear.

GeneDx
Classification: Uncertain significance. Last evaluated: 2020-07-07. Review status: criteria provided, single submitter. Criteria: GeneDx Variant Classification Process June 2021. Collection method: clinical testing. Allele origin: germline. Affected: yes.
Comment: Not observed in large population cohorts (Lek et al., 2016); In silico analysis supports that this missense variant has a deleterious effect on protein structure/function; This variant is associated with the following publications: (PMID: 28596197)

Literature cited by the submitters: PubMed 28596197 (cited by Labcorp Genetics (formerly Invitae), Labcorp and Ambry Genetics).

NM_000264.5(PTCH1):c.296G>T (p.Gly99Val)

Gene: PTCH1 (patched 1; minus strand). Cytogenetic location: 9q22.32.
Variant type: single nucleotide variant.
Coding change: c.296G>T on transcript NM_000264.5 (MANE Select); coding-DNA position 296, G replaced by T.
Protein change: p.Gly99Val; replaces glycine 99 with valine.
Molecular consequence: missense variant. On other transcripts: 5 prime UTR variant (4), non-coding transcript variant (1).
Genome position (GRCh38, 1-based): chr9:95,506,505, C>A on the plus strand (G>T on the coding strand, the complement: PTCH1 is on the minus strand). VCF-style: chr9-95506505-C-A. GRCh37 (hg19) VCF-style: chr9-98268787-C-A.
Other names: c.98G>T, p.Gly33Val (NM_001083602.3, NM_001354919.2); c.293G>T, p.Gly98Val (NM_001083603.3); c.-158G>T (NM_001083604.3, NM_001083605.3, NM_001083606.3 and 1 more transcripts); c.296G>T, p.Gly99Val (NM_001354918.2); short protein forms G33V, G99V, G98V.
Identifiers: ClinVar variation 844483 (VCV000844483.14), dbSNP rs753884837, ClinGen allele CA374120332.